The following is an entry in ClinVar:

NM_182920.2(ADAMTS9):c.2993C>T (p.Thr998Met)

Gene: ADAMTS9 (ADAM metallopeptidase with thrombospondin type 1 motif 9; minus strand). Cytogenetic location: 3p14.1.
Variant type: single nucleotide variant.
Coding change: c.2993C>T on transcript NM_182920.2 (MANE Select); coding-DNA position 2993, C replaced by T.
Protein change: p.Thr998Met; replaces threonine 998 with methionine.
Molecular consequence: missense variant.
Genome position (GRCh38, 1-based): chr3:64,615,991, G>A on the plus strand (C>T on the coding strand, the complement: ADAMTS9 is on the minus strand). VCF-style: chr3-64615991-G-A. GRCh37 (hg19) VCF-style: chr3-64601667-G-A.
Other names: c.2909C>T, p.Thr970Met (NM_001318781.2); short protein forms T970M, T998M.
Identifiers: ClinVar variation 2387088 (VCV002387088.5), dbSNP rs201029802, ClinGen allele CA2481021.

ClinVar aggregate classification (germline): Uncertain significance. Review status: criteria provided, multiple submitters, no conflicts (2 of 4 stars). 2 submissions from 2 submitters: Uncertain significance (2). Last evaluated 2025-09-02.

Allele frequency attached by ClinVar (database versions not stated): gnomAD exomes 0.00002; gnomAD 0.00004; 1000 Genomes Project 0.00020; 1000 Genomes Project 30x 0.00016; TOPMed 0.00004; ExAC 0.00007.

Submissions (2):

Labcorp Genetics (formerly Invitae), Labcorp
Classification: Uncertain significance. Last evaluated: 2025-09-02. Review status: criteria provided, single submitter. Criteria: Invitae Variant Classification Sherloc (09022015). Collection method: clinical testing. Allele origin: germline.
Comment: This sequence change replaces threonine, which is neutral and polar, with methionine, which is neutral and non-polar, at codon 998 of the ADAMTS9 protein (p.Thr998Met). This variant is present in population databases (rs201029802, gnomAD 0.03%). This variant has not been reported in the literature in individuals affected with ADAMTS9-related conditions. ClinVar contains an entry for this variant (Variation ID: 2387088). An algorithm developed to predict the effect of missense changes on protein structure and function outputs the following: PolyPhen-2: "Benign". The methionine amino acid residue is found in multiple mammalian species, which suggests that this missense change does not adversely affect protein function. In summary, the available evidence is currently insufficient to determine the role of this variant in disease. Therefore, it has been classified as a Variant of Uncertain Significance.

Ambry Genetics
Classification: Uncertain significance. Last evaluated: 2022-01-03. Review status: criteria provided, single submitter. Criteria: Ambry Variant Classification Scheme 2023. Collection method: clinical testing. Allele origin: germline.